The following is an entry in ClinVar:

NM_199242.3(UNC13D):c.17C>T (p.Ser6Phe)

Gene: UNC13D (unc-13 homolog D; minus strand). Cytogenetic location: 17q25.1.
Variant type: single nucleotide variant.
Coding change: c.17C>T on transcript NM_199242.3 (MANE Select); coding-DNA position 17, C replaced by T.
Protein change: p.Ser6Phe; replaces serine 6 with phenylalanine.
Molecular consequence: missense variant.
Genome position (GRCh38, 1-based): chr17:75,844,321, G>A on the plus strand (C>T on the coding strand, the complement: UNC13D is on the minus strand). VCF-style: chr17-75844321-G-A. GRCh37 (hg19) VCF-style: chr17-73840402-G-A.
Other names: short protein forms S6F.
Identifiers: ClinVar variation 1460646 (VCV001460646.3), dbSNP rs2143904920, ClinGen allele CA401120588.

ClinVar aggregate classification (germline): Uncertain significance (1 of 4 stars; one submission).

Conditions:
Familial hemophagocytic lymphohistiocytosis 3 (FHL3). Also called: UNC13D-Related Familial Hemophagocytic Lymphohistiocytosis (UNC13D-fHLH). Identifiers: Orphanet 540, MedGen C1837174, MONDO:0012146, OMIM 608898.

Submission:

Labcorp Genetics (formerly Invitae), Labcorp
Classification: Uncertain significance for Familial hemophagocytic lymphohistiocytosis 3. Last evaluated: 2021-08-04. Review status: criteria provided, single submitter. Criteria: Invitae Variant Classification Sherloc (09022015). Collection method: clinical testing. Allele origin: germline.
Comment: This sequence change replaces serine with phenylalanine at codon 6 of the UNC13D protein (p.Ser6Phe). The serine residue is moderately conserved and there is a large physicochemical difference between serine and phenylalanine. This variant is not present in population databases (ExAC no frequency). This variant has not been reported in the literature in individuals affected with UNC13D-related conditions. Algorithms developed to predict the effect of missense changes on protein structure and function output the following: SIFT: "Not Available"; PolyPhen-2: "Benign"; Align-GVGD: "Not Available". The phenylalanine amino acid residue is found in multiple mammalian species, which suggests that this missense change does not adversely affect protein function. In summary, the available evidence is currently insufficient to determine the role of this variant in disease. Therefore, it has been classified as a Variant of Uncertain Significance.